The following is an entry in ClinVar:

NM_182914.3(SYNE2):c.13807C>A (p.Leu4603Ile)

Gene: SYNE2 (spectrin repeat containing nuclear envelope protein 2; plus strand). Cytogenetic location: 14q23.2.
Variant type: single nucleotide variant.
Coding change: c.13807C>A on transcript NM_182914.3 (MANE Select); coding-DNA position 13807, C replaced by A.
Protein change: p.Leu4603Ile; replaces leucine 4603 with isoleucine.
Molecular consequence: missense variant.
Genome position (GRCh38, 1-based): chr14:64,126,697, C>A. VCF-style: chr14-64126697-C-A. GRCh37 (hg19) VCF-style: chr14-64593415-C-A.
Other names: c.13807C>A, p.Leu4603Ile (NM_015180.6); short protein forms L4603I.
Identifiers: ClinVar variation 5039976 (VCV005039976.1).
Genomic context (GRCh38, chr14:64,126,697, plus strand): 5'-AGTGACAAGAAGGGTGATCTTTTGAAAGCCATGACTTGGCCTGGCGAGAACACCAACTTG[C>A]TCCTTGAATGTTTTGACAACCTTCAAGTCTGCCTGGAGCACACTCAGGCTGCAGCTGTCT-3'
Protein context (NP_878918.2, residues 4593-4613): MTWPGENTNL[Leu4603Ile]LECFDNLQVC

ClinVar aggregate classification (germline): Uncertain significance (1 of 4 stars; one submission).

Submission:

CeGaT Center for Human Genetics Tuebingen
Classification: Uncertain significance. Last evaluated: 2026-07-01. Review status: criteria provided, single submitter. Criteria: CeGaT Center For Human Genetics Tuebingen Variant Classification Criteria Version 2. Collection method: clinical testing. Allele origin: germline. Affected: yes. Observed: 1 variant allele.
Comment: SYNE2: PM2, BP4